The following is an entry in ClinVar:

ClinVar aggregate classification (germline): Benign/Likely benign. Review status: criteria provided, multiple submitters, no conflicts (2 of 4 stars). 6 submissions from 6 submitters: Benign (4); Likely benign (2). Last evaluated 2026-02-04.

Allele frequency attached by ClinVar (database versions not stated): ESP Exome Variant Server 0.05154; gnomAD 0.05327 and 0.05828; TOPMed 0.05407; gnomAD exomes 0.06060 and 0.07338; ExAC 0.07775; 1000 Genomes Project 30x 0.09916; 1000 Genomes Project 0.10124.
gnomAD v4.1: 97,877 of 1,612,110 alleles (6.1%); highest among the groups gnomAD compares: South Asian, 18%; 4,118 homozygotes.

Submissions (6):

Labcorp Genetics (formerly Invitae), Labcorp
Classification: Benign. Last evaluated: 2026-02-04. Review status: criteria provided, single submitter. Criteria: Invitae Variant Classification Sherloc (09022015). Collection method: clinical testing. Allele origin: germline.

Women's Health and Genetics/Laboratory Corporation of America, LabCorp
Classification: Likely benign. Last evaluated: 2026-01-21. Review status: criteria provided, single submitter. Criteria: LabCorp Variant Classification Summary - May 2015. Collection method: clinical testing. Allele origin: germline.

Blueprint Genetics
Classification: Likely benign. Last evaluated: 2024-11-27. Review status: criteria provided, single submitter. Criteria: ACMG Guidelines, 2015. Collection method: clinical testing. Allele origin: germline.

Mayo Clinic Laboratories, Mayo Clinic
Classification: Benign. Last evaluated: 2023-08-10. Review status: criteria provided, single submitter. Criteria: ACMG Guidelines, 2015. Collection method: clinical testing. Allele origin: germline. Observed: 41 variant alleles.
Comment: BA1, BP4

GeneDx
Classification: Benign. Last evaluated: 2020-04-29. Review status: criteria provided, single submitter. Criteria: GeneDx Variant Classification Process June 2021. Collection method: clinical testing. Allele origin: germline. Affected: yes.
Comment: This variant is associated with the following publications: (PMID: 21946017)

Breakthrough Genomics
Classification: Benign. Review status: criteria provided, single submitter. Criteria: ACMG Guidelines, 2015. Collection method: not provided. Allele origin: germline. Inheritance: Autosomal recessive inheritance. Affected: yes.

Literature cited by the submitters: PubMed 21946017 (cited by Mayo Clinic Laboratories, Mayo Clinic).

NM_033004.4(NLRP1):c.4096C>T (p.Arg1366Cys)

Gene: NLRP1 (NLR family pyrin domain containing 1; minus strand). Cytogenetic location: 17p13.2.
Variant type: single nucleotide variant.
Coding change: c.4096C>T on transcript NM_033004.4 (MANE Select); coding-DNA position 4096, C replaced by T.
Protein change: p.Arg1366Cys; replaces arginine 1366 with cysteine.
Molecular consequence: missense variant. On other transcripts: intron variant (1).
Genome position (GRCh38, 1-based): chr17:5,515,479, G>A on the plus strand (C>T on the coding strand, the complement: NLRP1 is on the minus strand). VCF-style: chr17-5515479-G-A. GRCh37 (hg19) VCF-style: chr17-5418799-G-A.
Other names: p.Arg1366Cys; c.3964C>T, p.Arg1322Cys (NM_014922.5); c.4006C>T, p.Arg1336Cys (NM_033006.4); c.3874C>T, p.Arg1292Cys (NM_033007.4); c.4069+2267C>T (NM_001033053.3); short protein forms R1292C, R1322C, R1336C, R1366C.
Identifiers: ClinVar variation 1170548 (VCV001170548.14), dbSNP rs2137722, ClinGen allele CA8326654.
Genomic context (GRCh38, chr17:5,515,479, plus strand): 5'-ACAGTACCCCAGAACTGCCACCGCCTCCTGTGGTCTCTGAGAGCTGTTACTGACCTATGC[G>A]GGCTGGAGGGATCAGAGTAGTTGCAGGCATGAGATCTCCTGGAGGAAAACAGAGATGAAG-3'
Protein context (NP_127497.1, residues 1356-1376): MPATTLIPPA[Arg1366Cys]IAVPSPLDAP